The following is an entry in ClinVar:

ClinVar aggregate classification (germline): Uncertain significance. Review status: criteria provided, multiple submitters, no conflicts (2 of 4 stars). 2 submissions from 2 submitters: Uncertain significance (2). Last evaluated 2024-12-16.

Conditions:
Focal segmental glomerulosclerosis 7 (FSGS7). Identifiers: Orphanet 656, MedGen C4014925, MONDO:0014451, OMIM 616002.
Renal coloboma syndrome (PAPRS). Also called: OPTIC COLOBOMA, VESICOURETERAL REFLUX, AND RENAL ANOMALIES; OPTIC NERVE COLOBOMA WITH RENAL DISEASE; RENAL-COLOBOMA SYNDROME WITH MACULAR ABNORMALITIES; CONGENITAL ANOMALIES OF THE KIDNEY AND URINARY TRACT WITH OR WITHOUT OCULAR ABNORMALITIES; CAKUT WITH OR WITHOUT OCULAR ABNORMALITIES; PAPILLORENAL SYNDROME. Identifiers: Orphanet 1475, MedGen C1852759, MONDO:0007352, OMIM 120330.
Inborn genetic diseases. Identifiers: MedGen C0950123, MeSH D030342.

Allele frequency attached by ClinVar (database versions not stated): ExAC 0.00002; gnomAD exomes 0.00002.
gnomAD v4.1: 26 of 1,605,582 alleles (0.0016%); highest among the groups gnomAD compares: South Asian, 0.015%; no homozygotes.

Submissions (2):

Labcorp Genetics (formerly Invitae), Labcorp
Classification: Uncertain significance for Renal coloboma syndrome; Focal segmental glomerulosclerosis 7. Last evaluated: 2024-12-16. Review status: criteria provided, single submitter. Criteria: Invitae Variant Classification Sherloc (09022015). Collection method: clinical testing. Allele origin: germline.
Comment: This sequence change replaces arginine, which is basic and polar, with cysteine, which is neutral and slightly polar, at codon 308 of the PAX2 protein (p.Arg308Cys). This variant is present in population databases (rs761402395, gnomAD 0.01%). This missense change has been observed in individual(s) with chronic kidney disease (PMID: 36938085). ClinVar contains an entry for this variant (Variation ID: 2042685). An algorithm developed to predict the effect of missense changes on protein structure and function (PolyPhen-2) suggests that this variant is likely to be disruptive. In summary, the available evidence is currently insufficient to determine the role of this variant in disease. Therefore, it has been classified as a Variant of Uncertain Significance.

Ambry Genetics
Classification: Uncertain significance for Inborn genetic diseases. Last evaluated: 2022-11-30. Review status: criteria provided, single submitter. Criteria: Ambry Variant Classification Scheme 2023. Collection method: clinical testing. Allele origin: germline.

Literature cited by the submitters: PubMed 36938085 (cited by Labcorp Genetics (formerly Invitae), Labcorp).

NM_000278.5(PAX2):c.922C>T (p.Arg308Cys)

Gene: PAX2 (paired box 2; plus strand). Cytogenetic location: 10q24.31.
Variant type: single nucleotide variant.
Coding change: c.922C>T on transcript NM_000278.5 (MANE Select); coding-DNA position 922, C replaced by T.
Protein change: p.Arg308Cys; replaces arginine 308 with cysteine.
Molecular consequence: missense variant.
Genome position (GRCh38, 1-based): chr10:100,824,650, C>T. VCF-style: chr10-100824650-C-T. GRCh37 (hg19) VCF-style: chr10-102584407-C-T.
Other names: c.1015C>T, p.Arg339Cys (NM_001304569.2); c.991C>T, p.Arg331Cys (NM_003987.5, NM_003990.5); c.922C>T, p.Arg308Cys (NM_003988.5, NM_003989.5); short protein forms R308C, R331C, R339C.
Identifiers: ClinVar variation 2042685 (VCV002042685.5), dbSNP rs761402395, ClinGen allele CA5650914.